The following is an entry in ClinVar:

ClinVar aggregate classification (germline): Uncertain significance. Review status: criteria provided, multiple submitters, no conflicts (2 of 4 stars). 2 submissions from 2 submitters: Uncertain significance (2). Last evaluated 2024-12-10.

Conditions:
Inborn genetic diseases. Identifiers: MedGen C0950123, MeSH D030342.
Diffuse cerebral and cerebellar atrophy - intractable seizures - progressive microcephaly syndrome. Also called: Microcephaly, progressive, with seizures and cerebral and cerebellar atrophy. Identifiers: Orphanet 404437, MedGen C4014239, MONDO:0014335, OMIM 615760.

Allele frequency attached by ClinVar (database versions not stated): ExAC 0.00001; gnomAD exomes 0.00001 and 0.00006; gnomAD 0.00004; TOPMed 0.00005.
gnomAD v4.1: 96 of 1,613,992 alleles (0.0059%); highest among the groups gnomAD compares: Non-Finnish European, 0.0079%; no homozygotes.

Submissions (2):

Ambry Genetics
Classification: Uncertain significance for Inborn genetic diseases. Last evaluated: 2024-12-10. Review status: criteria provided, single submitter. Criteria: Ambry Variant Classification Scheme 2023. Collection method: clinical testing. Allele origin: germline.

Labcorp Genetics (formerly Invitae), Labcorp
Classification: Uncertain significance for Diffuse cerebral and cerebellar atrophy - intractable seizures - progressive microcephaly syndrome. Last evaluated: 2024-10-17. Review status: criteria provided, single submitter. Criteria: Invitae Variant Classification Sherloc (09022015). Collection method: clinical testing. Allele origin: germline.
Comment: This sequence change replaces asparagine, which is neutral and polar, with aspartic acid, which is acidic and polar, at codon 581 of the QARS protein (p.Asn581Asp). This variant is present in population databases (rs777671697, gnomAD 0.01%). This variant has not been reported in the literature in individuals affected with QARS-related conditions. ClinVar contains an entry for this variant (Variation ID: 942852). Invitae Evidence Modeling of protein sequence and biophysical properties (such as structural, functional, and spatial information, amino acid conservation, physicochemical variation, residue mobility, and thermodynamic stability) has been performed for this missense variant. However, the output from this modeling did not meet the statistical confidence thresholds required to predict the impact of this variant on QARS protein function. In summary, the available evidence is currently insufficient to determine the role of this variant in disease. Therefore, it has been classified as a Variant of Uncertain Significance.

NM_005051.3(QARS1):c.1741A>G (p.Asn581Asp)

Gene: QARS1 (glutaminyl-tRNA synthetase 1; minus strand). Cytogenetic location: 3p21.31.
Variant type: single nucleotide variant.
Coding change: c.1741A>G on transcript NM_005051.3 (MANE Select); coding-DNA position 1741, A replaced by G.
Protein change: p.Asn581Asp; replaces asparagine 581 with aspartic acid.
Molecular consequence: missense variant. On other transcripts: non-coding transcript variant (1).
Genome position (GRCh38, 1-based): chr3:49,099,127, T>C on the plus strand (A>G on the coding strand, the complement: QARS1 is on the minus strand). VCF-style: chr3-49099127-T-C. GRCh37 (hg19) VCF-style: chr3-49136560-T-C.
Other names: c.1741A>G (NM_005051.1); c.1708A>G, p.Asn570Asp (NM_001272073.2); short protein forms N570D, N581D.
Identifiers: ClinVar variation 942852 (VCV000942852.8), dbSNP rs777671697, ClinGen allele CA2391665.
Genomic context (GRCh38, chr3:49,099,127, plus strand): 5'-AGCTACACACACACATGTGACACACATGTTGAGGCAGGCCCACCTTGGCAGCAGGAAAGT[T>C]GGTGATGATGACCCGTAGTGACTCCAGCACAGCCATGGCTCGTGGGGCTGTGTCATTCAG-3'
Protein context (NP_005042.1, residues 571-591): VLESLRVIIT[Asn581Asp]FPAAKSLDIQ